The following is an entry in ClinVar:

NM_001853.4(COL9A3):c.1610T>C (p.Ile537Thr)

Gene: COL9A3 (collagen type IX alpha 3 chain; plus strand). Cytogenetic location: 20q13.33.
Variant type: single nucleotide variant.
Coding change: c.1610T>C on transcript NM_001853.4 (MANE Select); coding-DNA position 1610, T replaced by C.
Protein change: p.Ile537Thr; replaces isoleucine 537 with threonine.
Molecular consequence: missense variant.
Genome position (GRCh38, 1-based): chr20:62,837,089, T>C. VCF-style: chr20-62837089-T-C. GRCh37 (hg19) VCF-style: chr20-61468441-T-C.
Other names: short protein forms I537T.
Identifiers: ClinVar variation 3013241 (VCV003013241.3), dbSNP rs767987915, ClinGen allele CA9950118.

ClinVar aggregate classification (germline): Uncertain significance (1 of 4 stars; one submission).

Allele frequency attached by ClinVar (database versions not stated): ExAC 0.00002; gnomAD exomes below 0.00001.
gnomAD v4.1: 4 of 1,613,288 alleles (0.00025%); highest among the groups gnomAD compares: South Asian, 0.0011%; no homozygotes.

Submission:

Labcorp Genetics (formerly Invitae), Labcorp
Classification: Uncertain significance. Last evaluated: 2025-06-04. Review status: criteria provided, single submitter. Criteria: Invitae Variant Classification Sherloc (09022015). Collection method: clinical testing. Allele origin: germline.
Comment: This sequence change replaces isoleucine, which is neutral and non-polar, with threonine, which is neutral and polar, at codon 537 of the COL9A3 protein (p.Ile537Thr). This variant is present in population databases (rs767987915, gnomAD 0.003%). This variant has not been reported in the literature in individuals affected with COL9A3-related conditions. ClinVar contains an entry for this variant (Variation ID: 3013241). Invitae Evidence Modeling of protein sequence and biophysical properties (such as structural, functional, and spatial information, amino acid conservation, physicochemical variation, residue mobility, and thermodynamic stability) indicates that this missense variant is not expected to disrupt COL9A3 protein function with a negative predictive value of 95%. In summary, the available evidence is currently insufficient to determine the role of this variant in disease. Therefore, it has been classified as a Variant of Uncertain Significance.